The following is an entry in ClinVar:

ClinVar aggregate classification (germline): Uncertain significance (1 of 4 stars; one submission).

Conditions:
Myopathy, congenital, with diaphragmatic defects, respiratory insufficiency, and dysmorphic facies. Also called: MYOPATHY, CONGENITAL, DUE TO MYOD1 DEFICIENCY; CONGENITAL MYOPATHY 17. Identifiers: MedGen C5436530, MONDO:0033548, OMIM 618975.

Submission:

Juno Genomics, Hangzhou Juno Genomics, Inc
Classification: Uncertain significance for Myopathy, congenital, with diaphragmatic defects, respiratory insufficiency, and dysmorphic facies. Review status: criteria provided, single submitter. Criteria: ACMG Guidelines, 2015. Collection method: clinical testing. Allele origin: germline.
Comment: Absent from controls (or at extremely low frequency if recessive) in Genome Aggregation Database.;Multiple lines of computational evidence support a deleterious effect on the gene or gene product.

NM_002478.5(MYOD1):c.758C>T (p.Ser253Phe)

Gene: MYOD1 (myogenic differentiation 1; plus strand). Cytogenetic location: 11p15.1.
Variant type: single nucleotide variant.
Coding change: c.758C>T on transcript NM_002478.5 (MANE Select); coding-DNA position 758, C replaced by T.
Protein change: p.Ser253Phe; replaces serine 253 with phenylalanine.
Molecular consequence: missense variant.
Genome position (GRCh38, 1-based): chr11:17,721,303, C>T. VCF-style: chr11-17721303-C-T. GRCh37 (hg19) VCF-style: chr11-17742850-C-T.
Other names: short protein forms S253F.
Identifiers: ClinVar variation 5007850 (VCV005007850.2).